The following is an entry in ClinVar:

ClinVar aggregate classification (germline): Uncertain significance (1 of 4 stars; one submission).

Conditions:
Autosomal dominant nonsyndromic hearing loss 1. Also called: KONIGSMARK SYNDROME; DEAFNESS, AUTOSOMAL DOMINANT 1, WITH OR WITHOUT THROMBOCYTOPENIA. Identifiers: Orphanet 90635, MedGen C1852282, MONDO:0007424, OMIM 124900.
Progressive microcephaly-seizures-cortical blindness-developmental delay syndrome. Also called: Seizures, cortical blindness, and microcephaly syndrome. Identifiers: Orphanet 477814, MedGen C5567650, MONDO:0014714, OMIM 616632.

Submission:

Labcorp Genetics (formerly Invitae), Labcorp
Classification: Uncertain significance for Progressive microcephaly-seizures-cortical blindness-developmental delay syndrome; Autosomal dominant nonsyndromic hearing loss 1. Last evaluated: 2024-05-07. Review status: criteria provided, single submitter. Criteria: Invitae Variant Classification Sherloc (09022015). Collection method: clinical testing. Allele origin: germline.
Comment: This sequence change replaces serine, which is neutral and polar, with asparagine, which is neutral and polar, at codon 336 of the DIAPH1 protein (p.Ser336Asn). This variant is not present in population databases (gnomAD no frequency). This variant has not been reported in the literature in individuals affected with DIAPH1-related conditions. Experimental studies and prediction algorithms are not available or were not evaluated, and the functional significance of this variant is currently unknown. In summary, the available evidence is currently insufficient to determine the role of this variant in disease. Therefore, it has been classified as a Variant of Uncertain Significance.

NM_005219.5(DIAPH1):c.1007G>A (p.Ser336Asn)

Gene: DIAPH1 (diaphanous related formin 1; minus strand). Cytogenetic location: 5q31.3.
Variant type: single nucleotide variant.
Coding change: c.1007G>A on transcript NM_005219.5 (MANE Select); coding-DNA position 1007, G replaced by A.
Protein change: p.Ser336Asn; replaces serine 336 with asparagine.
Molecular consequence: missense variant.
Genome position (GRCh38, 1-based): chr5:141,578,552, C>T on the plus strand (G>A on the coding strand, the complement: DIAPH1 is on the minus strand). VCF-style: chr5-141578552-C-T. GRCh37 (hg19) VCF-style: chr5-140958119-C-T.
Other names: c.980G>A, p.Ser327Asn (NM_001079812.3); c.1007G>A, p.Ser336Asn (NM_001314007.2); short protein forms S327N, S336N.
Identifiers: ClinVar variation 3756241 (VCV003756241.2).